The following is an entry in ClinVar:

ClinVar aggregate classification (germline): Uncertain significance (1 of 4 stars; one submission).

Conditions:
Dilated cardiomyopathy 1JJ (CMD1JJ). Identifiers: Orphanet 154, MedGen C3808935, MONDO:0014095, OMIM 615235.

Allele frequency attached by ClinVar (database versions not stated): gnomAD exomes below 0.00001; gnomAD 0.00001; TOPMed 0.00001.
gnomAD v4.1: 2 of 1,613,786 alleles (0.00012%); highest among the groups gnomAD compares: African/African-American, 0.0013%; no homozygotes.

Submission:

Labcorp Genetics (formerly Invitae), Labcorp
Classification: Uncertain significance for Dilated cardiomyopathy 1JJ. Last evaluated: 2022-12-06. Review status: criteria provided, single submitter. Criteria: Invitae Variant Classification Sherloc (09022015). Collection method: clinical testing. Allele origin: germline.
Comment: In summary, the available evidence is currently insufficient to determine the role of this variant in disease. Therefore, it has been classified as a Variant of Uncertain Significance. Algorithms developed to predict the effect of missense changes on protein structure and function are either unavailable or do not agree on the potential impact of this missense change (SIFT: "Deleterious"; PolyPhen-2: "Possibly Damaging"; Align-GVGD: "Class C15"). ClinVar contains an entry for this variant (Variation ID: 1360622). This variant has not been reported in the literature in individuals affected with LAMA4-related conditions. This variant is not present in population databases (gnomAD no frequency). This sequence change replaces serine, which is neutral and polar, with phenylalanine, which is neutral and non-polar, at codon 1453 of the LAMA4 protein (p.Ser1453Phe).

NM_001105206.3(LAMA4):c.4379C>T (p.Ser1460Phe)

Gene: LAMA4 (laminin subunit alpha 4; minus strand). Cytogenetic location: 6q21.
Variant type: single nucleotide variant.
Coding change: c.4379C>T on transcript NM_001105206.3 (MANE Select); coding-DNA position 4379, C replaced by T.
Protein change: p.Ser1460Phe; replaces serine 1460 with phenylalanine.
Molecular consequence: missense variant.
Genome position (GRCh38, 1-based): chr6:112,122,110, G>A on the plus strand (C>T on the coding strand, the complement: LAMA4 is on the minus strand). VCF-style: chr6-112122110-G-A. GRCh37 (hg19) VCF-style: chr6-112443313-G-A.
Other names: c.4358C>T, p.Ser1453Phe (NM_001105207.3, NM_002290.5); short protein forms S1460F, S1453F.
Identifiers: ClinVar variation 1360622 (VCV001360622.8), dbSNP rs1778396540, ClinGen allele CA365371127.
Genomic context (GRCh38, chr6:112,122,110, plus strand): 5'-TGGCGGCTGTTGGCTGTTCCTCCATATTGATAGGCGTGCTCTATTGCTCTAGGGCTGTTG[G>A]AAAGGTGGCAATGAGAGTTTCTTGGAGTATTCCGCTCTGGGAGTTTCAGAGCAACAGGAT-3'
Protein context (NP_001098676.2, residues 1450-1470): NTPRNSHCHL[Ser1460Phe]NSPRAIEHAY